The following is an entry in ClinVar:

ClinVar aggregate classification (germline): Benign (1 of 4 stars; one submission).

Allele frequency attached by ClinVar (database versions not stated): gnomAD 0.64682; gnomAD exomes 0.65156; TOPMed 0.65227; 1000 Genomes Project 30x 0.66943; 1000 Genomes Project 0.67332.
gnomAD v4.1: 305,133 of 469,140 alleles (65%); highest among the groups gnomAD compares: East Asian, 85%; 100,235 homozygotes.

Submission:

Unidad de Genómica Garrahan, Hospital de Pediatría Garrahan
Classification: Benign. Last evaluated: 2024-07-15. Review status: criteria provided, single submitter. Criteria: ACMG Guidelines, 2015. Collection method: clinical testing. Allele origin: germline. Affected: no. Observed: 85 variant alleles.
Comment: This variant is classified as Benign based on local population frequency. This variant was detected in 91% of patients studied in a panel designed for Epileptic and Developmental Encephalopathy and Progressive Myoclonus Epilepsy. Number of patients: 85. Only high quality variants are reported.

NM_015192.4(PLCB1):c.3423+2247C>T

Gene: PLCB1 (phospholipase C beta 1; plus strand). Cytogenetic location: 20p12.3.
Variant type: single nucleotide variant.
Coding change: c.3423+2247C>T on transcript NM_015192.4 (MANE Select); 2247 bases into the intron after coding-DNA position 3423, C replaced by T.
Molecular consequence: intron variant.
Genome position (GRCh38, 1-based): chr20:8,792,508, C>T. VCF-style: chr20-8792508-C-T. GRCh37 (hg19) VCF-style: chr20-8773155-C-T.
Other names: c.3423+2247C>T (NM_182734.3).
Identifiers: ClinVar variation 3255230 (VCV003255230.2), dbSNP rs6056118.
Genomic context (GRCh38, chr20:8,792,508, plus strand): 5'-ACAGGTTACATACAGTGTACGTTACAGCCATGTTTATAACAATTTTTTGTTTCTTCCTTT[C>T]TGGCCCCTTGGAAAGAGATCTGAAGTGTTTCTATGAATTTTTAGTAGTTCTATTGTCTGC-3'